The following is an entry in ClinVar:

ClinVar aggregate classification (germline): Uncertain significance (1 of 4 stars; one submission).

gnomAD v4.1: 13 of 1,612,544 alleles (0.00081%); highest among the groups gnomAD compares: African/African-American, 0.0094%; no homozygotes.

Submission:

Women's Health and Genetics/Laboratory Corporation of America, LabCorp
Classification: Uncertain significance. Last evaluated: 2025-09-08. Review status: criteria provided, single submitter. Criteria: LabCorp Variant Classification Summary - May 2015. Collection method: clinical testing. Allele origin: germline.
Comment: Variant summary: RRAGD c.1189A>G (p.Arg397Gly) results in a non-conservative amino acid change in the encoded protein sequence. Algorithms developed to predict the effect of missense changes on protein structure and function are either unavailable or do not agree on the potential impact of this missense change. The variant allele was found at a frequency of 2e-05 in 250382 control chromosomes. The available data on variant occurrences in the general population are insufficient to allow any conclusion about variant significance. To our knowledge, no occurrence of c.1189A>G in individuals affected with RRAGD-related conditions and no experimental evidence demonstrating its impact on protein function have been reported. No submitters have cited clinical-significance assessments for this variant to ClinVar. Based on the evidence outlined above, the variant was classified as uncertain significance.

NM_021244.5(RRAGD):c.1189A>G (p.Arg397Gly)

Genes: RRAGD (Ras related GTP binding D; minus strand), LOC129996825 (ATAC-STARR-seq lymphoblastoid active region 24824; plus strand). Cytogenetic location: 6q15.
Variant type: single nucleotide variant.
Coding change: c.1189A>G on transcript NM_021244.5 (MANE Select); coding-DNA position 1189, A replaced by G.
Protein change: p.Arg397Gly; replaces arginine 397 with glycine.
Molecular consequence: missense variant.
Genome position (GRCh38, 1-based): chr6:89,368,070, T>C on the plus strand (A>G on the coding strand, the complement: RRAGD is on the minus strand). VCF-style: chr6-89368070-T-C. GRCh37 (hg19) VCF-style: chr6-90077789-T-C.
Other names: short protein forms R397G.
Identifiers: ClinVar variation 4535683 (VCV004535683.1).